The following is an entry in ClinVar:

NM_020207.7(ERCC6L2):c.1956C>G (p.His652Gln)

Gene: ERCC6L2 (ERCC excision repair 6 like 2; plus strand). Cytogenetic location: 9q22.32.
Variant type: single nucleotide variant.
Coding change: c.1956C>G on transcript NM_020207.7 (MANE Select); coding-DNA position 1956, C replaced by G.
Protein change: p.His652Gln; replaces histidine 652 with glutamine.
Molecular consequence: missense variant. On other transcripts: non-coding transcript variant (1).
Genome position (GRCh38, 1-based): chr9:95,966,570, C>G. VCF-style: chr9-95966570-C-G. GRCh37 (hg19) VCF-style: chr9-98728852-C-G.
Other names: c.1956C>G, p.His652Gln (NM_001010895.4, NM_001375291.1, NM_001375292.1 and 2 more transcripts); short protein forms H652Q.
Identifiers: ClinVar variation 4019252 (VCV004019252.1).

ClinVar aggregate classification (germline): Uncertain significance (1 of 4 stars; one submission).

Conditions:
Inborn genetic diseases. Identifiers: MedGen C0950123, MeSH D030342.

gnomAD v4.1: 9 of 1,487,112 alleles (0.00061%); highest among the groups gnomAD compares: Middle Eastern, 0.036%; no homozygotes.

Submission:

Ambry Genetics
Classification: Uncertain significance for Inborn genetic diseases. Last evaluated: 2025-03-20. Review status: criteria provided, single submitter. Criteria: Ambry Variant Classification Scheme 2023. Collection method: clinical testing. Allele origin: germline.
Comment: The p.H652Q variant (also known as c.1956C>G), located in coding exon 14 of the ERCC6L2 gene, results from a C to G substitution at nucleotide position 1956. The histidine at codon 652 is replaced by glutamine, an amino acid with highly similar properties. This amino acid position is conserved. In addition, this alteration is predicted to be tolerated by in silico analysis. Based on the available evidence, the clinical significance of this variant remains unclear.